The following is an entry in ClinVar:

ClinVar aggregate classification (germline): Uncertain significance (1 of 4 stars; one submission).

Submission:

GeneDx
Classification: Uncertain significance. Last evaluated: 2026-02-08. Review status: criteria provided, single submitter. Criteria: GeneDx Variant Classification Process June 2021. Collection method: clinical testing. Allele origin: germline.
Comment: Not observed at significant frequency in large population cohorts (gnomAD); In silico analysis supports that this missense variant does not alter protein structure/function; Has not been previously published as pathogenic or benign to our knowledge

NM_005654.6(NR2F1):c.1024G>C (p.Glu342Gln)

Gene: NR2F1 (nuclear receptor subfamily 2 group F member 1; plus strand). Cytogenetic location: 5q15.
Variant type: single nucleotide variant.
Coding change: c.1024G>C on transcript NM_005654.6 (MANE Select); coding-DNA position 1024, G replaced by C.
Protein change: p.Glu342Gln; replaces glutamic acid 342 with glutamine.
Molecular consequence: missense variant.
Genome position (GRCh38, 1-based): chr5:93,593,594, G>C. VCF-style: chr5-93593594-G-C. GRCh37 (hg19) VCF-style: chr5-92929300-G-C.
Other names: c.574G>C, p.Glu192Gln (NM_001410754.1); short protein forms E192Q, E342Q.
Identifiers: ClinVar variation 2661925 (VCV002661925.2), dbSNP rs2149946003, ClinGen allele CA360527622.